The following is an entry in ClinVar:

NM_130849.4(SLC39A4):c.218del (p.Gly73fs)

Gene: SLC39A4 (solute carrier family 39 member 4; minus strand). Cytogenetic location: 8q24.3.
Variant type: Deletion.
Coding change: c.218del on transcript NM_130849.4 (MANE Select); coding-DNA position 218, one base deleted (G; older notation c.218delG).
Protein change: p.Gly73fs; shifts the reading frame from glycine 73.
Molecular consequence: frameshift variant. On other transcripts: intron variant (1).
Genome position (GRCh38, 1-based): chr8:144,416,066, C deleted on the plus strand (G on the coding strand, the reverse complement: SLC39A4 is on the minus strand); the first of 3 consecutive C bases (chr8:144,416,066-144,416,068); deleting any one gives the same sequence. VCF-style (leftmost placement, unchanged base first): chr8-144416065-GC-G. GRCh37 (hg19) VCF-style: chr8-145641449-GC-G.
Other names: c.143del, p.Gly48fs (NM_017767.3); c.192+532del (NM_001374839.1); short protein forms G48fs, G73fs.
Identifiers: ClinVar variation 2767177 (VCV002767177.3), dbSNP rs2537438572, ClinGen allele CA2689102394.

ClinVar aggregate classification (germline): Pathogenic (1 of 4 stars; one submission).

Submission:

Labcorp Genetics (formerly Invitae), Labcorp
Classification: Pathogenic. Last evaluated: 2023-10-09. Review status: criteria provided, single submitter. Criteria: Invitae Variant Classification Sherloc (09022015). Collection method: clinical testing. Allele origin: germline.
Comment: This sequence change creates a premature translational stop signal (p.Gly73Alafs*64) in the SLC39A4 gene. It is expected to result in an absent or disrupted protein product. Loss-of-function variants in SLC39A4 are known to be pathogenic (PMID: 12955721). This variant is not present in population databases (gnomAD no frequency). This variant has not been reported in the literature in individuals affected with SLC39A4-related conditions. For these reasons, this variant has been classified as Pathogenic.

Literature cited by the submitters: PubMed 12955721.